The following is an entry in ClinVar:

ClinVar aggregate classification (germline): Uncertain significance (1 of 4 stars; one submission).

Conditions:
Hereditary cancer-predisposing syndrome. Also called: Neoplastic Syndromes, Hereditary; Tumor predisposition; Hereditary neoplastic syndrome; Hereditary Cancer Syndrome. Identifiers: Orphanet 140162, MedGen C0027672, MeSH D009386, MONDO:0015356.

gnomAD v4.1: 1 of 1,614,116 alleles (0.000062%); highest among the groups gnomAD compares: Non-Finnish European, 0.000085%; no homozygotes.

Submission:

Ambry Genetics
Classification: Uncertain significance for Hereditary cancer-predisposing syndrome. Last evaluated: 2026-07-02. Review status: criteria provided, single submitter. Criteria: Ambry Variant Classification Scheme 2023. Collection method: clinical testing. Allele origin: germline.
Comment: The p.D407H variant (also known as c.1219G>C), located in coding exon 8 of the MSH3 gene, results from a G to C substitution at nucleotide position 1219. The aspartic acid at codon 407 is replaced by histidine, an amino acid with similar properties. This amino acid position is conserved. In addition, this alteration is predicted to be deleterious by in silico analysis. Based on the available evidence, the clinical significance of this variant remains unclear.

NM_002439.5(MSH3):c.1219G>C (p.Asp407His)

Gene: MSH3 (mutS homolog 3; plus strand). Cytogenetic location: 5q14.1.
Variant type: single nucleotide variant.
Coding change: c.1219G>C on transcript NM_002439.5 (MANE Select); coding-DNA position 1219, G replaced by C.
Protein change: p.Asp407His; replaces aspartic acid 407 with histidine.
Molecular consequence: missense variant.
Genome position (GRCh38, 1-based): chr5:80,678,972, G>C. VCF-style: chr5-80678972-G-C. GRCh37 (hg19) VCF-style: chr5-79974791-G-C.
Other names: short protein forms D407H.
Identifiers: ClinVar variation 5024758 (VCV005024758.1).